The following is an entry in ClinVar:

ClinVar aggregate classification (germline): Uncertain significance (1 of 4 stars; one submission).

Allele frequency attached by ClinVar (database versions not stated): gnomAD exomes below 0.00001; TOPMed 0.00001.
gnomAD v4.1: 2 of 1,613,366 alleles (0.00012%); highest among the groups gnomAD compares: Admixed American, 0.0017%; no homozygotes.

Submission:

Labcorp Genetics (formerly Invitae), Labcorp
Classification: Uncertain significance. Last evaluated: 2022-05-29. Review status: criteria provided, single submitter. Criteria: Invitae Variant Classification Sherloc (09022015). Collection method: clinical testing. Allele origin: germline.
Comment: This sequence change replaces valine, which is neutral and non-polar, with isoleucine, which is neutral and non-polar, at codon 413 of the ANKZF1 protein (p.Val413Ile). This variant is present in population databases (no rsID available, gnomAD 0.006%). This variant has not been reported in the literature in individuals affected with ANKZF1-related conditions. Algorithms developed to predict the effect of missense changes on protein structure and function (SIFT, PolyPhen-2, Align-GVGD) all suggest that this variant is likely to be tolerated. In summary, the available evidence is currently insufficient to determine the role of this variant in disease. Therefore, it has been classified as a Variant of Uncertain Significance.

NM_018089.3(ANKZF1):c.1237G>A (p.Val413Ile)

Gene: ANKZF1 (ankyrin repeat and zinc finger peptidyl tRNA hydrolase 1; plus strand). Cytogenetic location: 2q35.
Variant type: single nucleotide variant.
Coding change: c.1237G>A on transcript NM_018089.3 (MANE Select); coding-DNA position 1237, G replaced by A.
Protein change: p.Val413Ile; replaces valine 413 with isoleucine.
Molecular consequence: missense variant.
Genome position (GRCh38, 1-based): chr2:219,234,858, G>A. VCF-style: chr2-219234858-G-A. GRCh37 (hg19) VCF-style: chr2-220099580-G-A.
Other names: c.1237G>A, p.Val413Ile (NM_001042410.2); c.607G>A, p.Val203Ile (NM_001282792.2); short protein forms V203I, V413I.
Identifiers: ClinVar variation 2000843 (VCV002000843.4), dbSNP rs1446848096, ClinGen allele CA350679637.